The following is an entry in ClinVar:

NM_001267550.2(TTN):c.90562_90566del (p.Thr30188fs)

Genes: TTN (titin; minus strand), TTN-AS1 (TTN antisense RNA 1; plus strand). Cytogenetic location: 2q31.2.
Variant type: Deletion.
Coding change: c.90562_90566del on transcript NM_001267550.2 (MANE Select); coding-DNA positions 90562 to 90566, 5 bases deleted (ACTTT; older notation c.90562_90566delACTTT).
Protein change: p.Thr30188fs; shifts the reading frame from threonine 30188.
Molecular consequence: frameshift variant.
Genome position (GRCh38, 1-based): chr2:178,552,334-178,552,338, AAAGT deleted on the plus strand (ACTTT on the coding strand, the reverse complement: TTN is on the minus strand); deleting any 5 consecutive bases within chr2:178,552,334-178,552,340 gives the same sequence; the c. name uses the placement nearest the transcript's 3' end. VCF-style (leftmost placement, unchanged base first): chr2-178552333-CAAAGT-C. GRCh37 (hg19) VCF-style: chr2-179417060-CAAAGT-C.
Other names: c.90562_90566del (LRG_391t1); c.85639_85643del, p.Thr28547fs (NM_001256850.1); c.63367_63371del, p.Thr21123fs (NM_003319.4); c.82858_82862del, p.Thr27620fs (NM_133378.4); c.63742_63746del, p.Thr21248fs (NM_133432.3); c.63943_63947del, p.Thr21315fs (NM_133437.4); c.63367_63371delACTTT (NM_003319.4); short protein forms T21315fs, T27620fs, T21248fs, T28547fs, T21123fs, T30188fs.
Identifiers: ClinVar variation 636376 (VCV000636376.2), dbSNP rs1575518825, ClinGen allele CA915942256.

ClinVar aggregate classification (germline): Likely pathogenic (1 of 4 stars; one submission).

Conditions:
Cardiovascular phenotype. Identifiers: MedGen CN230736.

Submission:

Ambry Genetics
Classification: Likely pathogenic for Cardiovascular phenotype. Last evaluated: 2025-09-03. Review status: criteria provided, single submitter. Criteria: Ambry Variant Classification Scheme 2023. Collection method: clinical testing. Allele origin: germline.
Comment: The c.63367_63371delACTTT variant, located in coding exon 162 of the TTN gene, results from a deletion of 5 nucleotides at nucleotide positions 63367 to 63371, causing a translational frameshift with a predicted alternate stop codon (p.T21123Efs*3). This exon is located in the A-band region of the N2-B isoform of the titin protein and is constitutively expressed in TTN transcripts (percent spliced in or PSI 100%). This variant is expected to result in loss of function by premature protein truncation or nonsense-mediated mRNA decay. While truncating variants in TTN are present in 1-3% of the general population, truncating variants in the A-band are the most common cause of dilated cardiomyopathy (Herman DS et al. N. Engl. J. Med., 2012 Feb;366:619-28; Roberts AM et al. Sci Transl Med, 2015 Jan;7:270ra6). TTN truncating variants encoded in constitutive exons (PSI >90%) have been found to be significantly associated with DCM regardless of their position in titin (Schafer S et al. Nat. Genet., 2017 01;49:46-53; Akhtar MM et al. Circ Heart Fail, 2020 Oct;13:e006832; Massier M et al. Clin Genet, 2025 Jan). This variant is considered to be rare based on population cohorts in the Genome Aggregation Database (gnomAD). Based on the majority of available evidence to date, this variant is likely to be pathogenic.